The following is an entry in ClinVar:

ClinVar aggregate classification (germline): Uncertain significance (1 of 4 stars; one submission).

Submission:

Women's Health and Genetics/Laboratory Corporation of America, LabCorp
Classification: Uncertain significance. Last evaluated: 2026-02-24. Review status: criteria provided, single submitter. Criteria: LabCorp Variant Classification Summary - May 2015. Collection method: clinical testing. Allele origin: germline.
Comment: Variant summary: GHSR c.602C>T (p.Thr201Ile) results in a non-conservative amino acid change in the encoded protein sequence. Algorithms developed to predict the effect of missense changes on protein structure and function are either unavailable or do not agree on the potential impact of this missense change. The variant was absent in 249580 control chromosomes. The available data on variant occurrences in the general population are insufficient to allow any conclusion about variant significance. To our knowledge, no occurrence of c.602C>T in individuals affected with GHSR-related conditions and no experimental evidence demonstrating its impact on protein function have been reported. No submitters have cited clinical-significance assessments for this variant to ClinVar. Based on the evidence outlined above, the variant was classified as uncertain significance.

NM_198407.2(GHSR):c.602C>T (p.Thr201Ile)

Gene: GHSR (growth hormone secretagogue receptor; minus strand). Cytogenetic location: 3q26.31.
Variant type: single nucleotide variant.
Coding change: c.602C>T on transcript NM_198407.2 (MANE Select); coding-DNA position 602, C replaced by T.
Protein change: p.Thr201Ile; replaces threonine 201 with isoleucine.
Molecular consequence: missense variant.
Genome position (GRCh38, 1-based): chr3:172,447,812, G>A on the plus strand (C>T on the coding strand, the complement: GHSR is on the minus strand). VCF-style: chr3-172447812-G-A. GRCh37 (hg19) VCF-style: chr3-172165602-G-A.
Other names: c.602C>T, p.Thr201Ile (NM_004122.2); short protein forms T201I.
Identifiers: ClinVar variation 4848151 (VCV004848151.1).